The following is an entry in ClinVar:

ClinVar aggregate classification (germline): Uncertain significance (1 of 4 stars; one submission).

Conditions:
Hereditary cancer-predisposing syndrome. Also called: Neoplastic Syndromes, Hereditary; Tumor predisposition; Hereditary neoplastic syndrome; Hereditary Cancer Syndrome. Identifiers: Orphanet 140162, MedGen C0027672, MeSH D009386, MONDO:0015356.

Submission:

Ambry Genetics
Classification: Uncertain significance for Hereditary cancer-predisposing syndrome. Last evaluated: 2026-08-31. Review status: criteria provided, single submitter. Criteria: Ambry Variant Classification Scheme 2023. Collection method: clinical testing. Allele origin: germline.
Comment: The p.I287T variant (also known as c.860T>C), located in coding exon 6 of the ATM gene, results from a T to C substitution at nucleotide position 860. The isoleucine at codon 287 is replaced by threonine, an amino acid with similar properties. In an assay testing ATM function, this variant showed a functionally normal result (Lee KS et al. Cell, 2025 Sep;188:5081-5099.e27). This amino acid position is not well conserved in available vertebrate species. In addition, the in silico prediction for this alteration is inconclusive. Based on the available evidence, the clinical significance of this variant remains unclear.

Literature cited by the submitters: PubMed 40580951.

NM_000051.4(ATM):c.860T>C (p.Ile287Thr)

Gene: ATM (ATM serine/threonine kinase; plus strand). Cytogenetic location: 11q22.3.
Variant type: single nucleotide variant.
Coding change: c.860T>C on transcript NM_000051.4 (MANE Select); coding-DNA position 860, T replaced by C.
Protein change: p.Ile287Thr; replaces isoleucine 287 with threonine.
Molecular consequence: missense variant.
Genome position (GRCh38, 1-based): chr11:108,244,985, T>C. VCF-style: chr11-108244985-T-C. GRCh37 (hg19) VCF-style: chr11-108115712-T-C.
Other names: c.860T>C, p.Ile287Thr (NM_001351834.2); short protein forms I287T.
Identifiers: ClinVar variation 5032249 (VCV005032249.1).